The following is an entry in ClinVar:

NM_001368894.2(PAX6):c.-52+1del

Gene: PAX6 (paired box 6; minus strand). Cytogenetic location: 11p13.
Variant type: Deletion.
Coding change: c.-52+1del on transcript NM_001368894.2 (MANE Select); the canonical splice donor site of the intron after 52 bases upstream of the start codon, one base deleted (G; older notation c.-52+1delG).
Molecular consequence: splice donor variant. On other transcripts: intron variant (2).
Genome position (GRCh38, 1-based): chr11:31,806,848, C deleted on the plus strand (G on the coding strand, the reverse complement: PAX6 is on the minus strand); the first of 2 consecutive C bases (chr11:31,806,848-31,806,849); deleting either gives the same sequence. VCF-style (leftmost placement, unchanged base first): chr11-31806847-GC-G. GRCh37 (hg19) VCF-style: chr11-31828395-GC-G.
Other names: c.-52+1del (NM_001127612.3, NM_001368921.2, NM_001368923.2 and 30 more transcripts); c.49+1del (NM_001368910.2); c.-268+3980del (NM_001368909.2); c.13+3980del (NM_001368911.2); c.-329+1del (NM_001368904.2); c.-833+1del (NM_001368905.2).
Identifiers: ClinVar variation 1042308 (VCV001042308.10), dbSNP rs1955943115, ClinGen allele CA1962050956.

ClinVar aggregate classification (germline): Likely pathogenic (1 of 4 stars; one submission).

Conditions:
Aniridia 1 (AN1). Identifiers: Orphanet 250923, MedGen C0344542, MONDO:0024507, OMIM 106210.
Irido-corneo-trabecular dysgenesis (ASGD5). Also called: ANTERIOR SEGMENT DYSGENESIS 5. Identifiers: Orphanet 708, MedGen C0344559, MONDO:0011414, OMIM 604229, HP:0000659.

Submission:

Labcorp Genetics (formerly Invitae), Labcorp
Classification: Likely pathogenic for Aniridia 1; Irido-corneo-trabecular dysgenesis. Last evaluated: 2024-03-11. Review status: criteria provided, single submitter. Criteria: Invitae Variant Classification Sherloc (09022015). Collection method: clinical testing. Allele origin: germline.
Comment: This variant occurs in a non-coding region of the PAX6 gene. It does not change the encoded amino acid sequence of the PAX6 protein. This variant is not present in population databases (gnomAD no frequency). This variant has been observed in individual(s) with aniridia (PMID: 1345175; Invitae). This variant is also known as c.-52+1del. ClinVar contains an entry for this variant (Variation ID: 1042308). Algorithms developed to predict the effect of sequence changes on RNA splicing suggest that this variant may disrupt the consensus splice site. In summary, the currently available evidence indicates that the variant is pathogenic, but additional data are needed to prove that conclusively. Therefore, this variant has been classified as Likely Pathogenic.

Literature cited by the submitters: PubMed 1345175.